The following is an entry in ClinVar:

NM_005751.5(AKAP9):c.1012A>T (p.Ile338Leu)

Gene: AKAP9 (A-kinase anchoring protein 9; plus strand). Cytogenetic location: 7q21.2.
Variant type: single nucleotide variant.
Coding change: c.1012A>T on transcript NM_005751.5 (MANE Select); coding-DNA position 1012, A replaced by T.
Protein change: p.Ile338Leu; replaces isoleucine 338 with leucine.
Molecular consequence: missense variant.
Genome position (GRCh38, 1-based): chr7:92,000,929, A>T. VCF-style: chr7-92000929-A-T. GRCh37 (hg19) VCF-style: chr7-91630243-A-T.
Other names: c.1012A>T, p.Ile338Leu (NM_147185.3); short protein forms I338L.
Identifiers: ClinVar variation 1733277 (VCV001733277.2), dbSNP rs899043502, ClinGen allele CA368120803.
Genomic context (GRCh38, chr7:92,000,929, plus strand): 5'-AACTCAAATAAAGAAGAAATACAGGAAAAGGAGACAATCATTGAAGAATTAAACACAAAA[A>T]TAATAGAAGAAGAAAAGAAAACTCTTGAGCTAAAGGATAAATTAACAACTGCTGATAAAT-3'
Protein context (NP_005742.4, residues 328-348): ETIIEELNTK[Ile338Leu]IEEEKKTLEL

ClinVar aggregate classification (germline): Uncertain significance (1 of 4 stars; one submission).

Conditions:
Cardiovascular phenotype. Identifiers: MedGen CN230736.

Allele frequency attached by ClinVar (database versions not stated): TOPMed below 0.00001.

Submission:

Ambry Genetics
Classification: Uncertain significance for Cardiovascular phenotype. Last evaluated: 2022-04-03. Review status: criteria provided, single submitter. Criteria: Ambry Variant Classification Scheme 2023. Collection method: clinical testing. Allele origin: germline.
Comment: The p.I338L variant (also known as c.1012A>T), located in coding exon 8 of the AKAP9 gene, results from an A to T substitution at nucleotide position 1012. The isoleucine at codon 338 is replaced by leucine, an amino acid with highly similar properties. This amino acid position is conserved. In addition, this alteration is predicted to be tolerated by in silico analysis. Since supporting evidence is limited at this time, the clinical significance of this alteration remains unclear.